The following is an entry in ClinVar:

ClinVar aggregate classification (germline): Conflicting classifications of pathogenicity. Review status: criteria provided, conflicting classifications (1 of 4 stars). 2 submissions from 2 submitters: Likely pathogenic (1); Uncertain significance (1). Last evaluated 2023-02-03.

Conditions:
Catecholaminergic polymorphic ventricular tachycardia 5 (CARDAR). Also called: Ventricular tachycardia, catecholaminergic polymorphic, 5, with or without muscle weakness; CARDIAC ARRHYTHMIA SYNDROME, WITH OR WITHOUT SKELETAL MUSCLE WEAKNESS. Identifiers: Orphanet 3286, MedGen C3809536, MONDO:0014191, OMIM 615441.
Catecholaminergic polymorphic ventricular tachycardia 1. Also called: VENTRICULAR TACHYCARDIA, CATECHOLAMINERGIC POLYMORPHIC, 1, WITH OR WITHOUT ATRIAL DYSFUNCTION AND/OR DILATED CARDIOMYOPATHY; RYR2-Related Catecholaminergic Polymorphic Ventricular Tachycardia; VENTRICULAR TACHYCARDIA, STRESS-INDUCED POLYMORPHIC 1. Identifiers: Orphanet 3286, MedGen C1631597, MONDO:0011484, OMIM 604772.

Submissions (2):

Revvity Omics, Revvity
Classification: Likely pathogenic for Catecholaminergic polymorphic ventricular tachycardia 5. Last evaluated: 2023-02-03. Review status: criteria provided, single submitter. Criteria: ACMG Guidelines, 2015. Collection method: clinical testing. Allele origin: germline.

Labcorp Genetics (formerly Invitae), Labcorp
Classification: Uncertain significance for Catecholaminergic polymorphic ventricular tachycardia 1. Last evaluated: 2022-12-06. Review status: criteria provided, single submitter. Criteria: Invitae Variant Classification Sherloc (09022015). Collection method: clinical testing. Allele origin: germline.
Comment: This sequence change creates a premature translational stop signal (p.Gly603Glufs*26) in the TRDN gene. However, it is currently unclear if variants that occur in this region of the gene cause disease. In summary, the available evidence is currently insufficient to determine the role of this variant in disease. Therefore, it has been classified as a Variant of Uncertain Significance. Algorithms developed to predict the effect of sequence changes on RNA splicing suggest that this variant may disrupt the consensus splice site. ClinVar contains an entry for this variant (Variation ID: 532317). This variant has not been reported in the literature in individuals affected with TRDN-related conditions. This variant is not present in population databases (gnomAD no frequency).

NM_006073.4(TRDN):c.1806del (p.Gly603fs)

Gene: TRDN (triadin; minus strand). Cytogenetic location: 6q22.31.
Variant type: Deletion.
Coding change: c.1806del on transcript NM_006073.4 (MANE Select); coding-DNA position 1806, one base deleted (A; older notation c.1806delA).
Protein change: p.Gly603fs; shifts the reading frame from glycine 603.
Molecular consequence: frameshift variant.
Genome position (GRCh38, 1-based): chr6:123,265,318, T deleted on the plus strand (A on the coding strand, the reverse complement: TRDN is on the minus strand); the first of 2 consecutive T bases (chr6:123,265,318-123,265,319); deleting either gives the same sequence. VCF-style (leftmost placement, unchanged base first): chr6-123265317-CT-C. GRCh37 (hg19) VCF-style: chr6-123586462-CT-C.
Other names: c.1804del (NM_006073.4); short protein forms G603fs.
Identifiers: ClinVar variation 532317 (VCV000532317.11), dbSNP rs1381728472, ClinGen allele CA658796819.